The following is an entry in ClinVar:

ClinVar aggregate classification (germline): Likely pathogenic (1 of 4 stars; one submission).

Submission:

GeneDx
Classification: Likely pathogenic. Last evaluated: 2025-05-21. Review status: criteria provided, single submitter. Criteria: GeneDx Variant Classification Process June 2021. Collection method: clinical testing. Allele origin: germline.
Comment: Not observed at significant frequency in large population cohorts (gnomAD); In silico analysis supports that this missense variant has a deleterious effect on protein structure/function; Has not been previously published as pathogenic or benign to our knowledge

NM_004640.7(DDX39B):c.689C>T (p.Thr230Ile)

Genes: ATP6V1G2-DDX39B (ATP6V1G2-DDX39B readthrough (NMD candidate); minus strand), DDX39B (DExD-box helicase 39B; minus strand). Cytogenetic location: 6p21.33.
Variant type: single nucleotide variant.
Coding change: c.689C>T on transcript NM_004640.7 (MANE Select); coding-DNA position 689, C replaced by T.
Protein change: p.Thr230Ile; replaces threonine 230 with isoleucine.
Molecular consequence: missense variant. On other transcripts: non-coding transcript variant (2).
Genome position (GRCh38, 1-based): chr6:31,535,413, G>A on the plus strand (C>T on the coding strand, the complement: DDX39B is on the minus strand). VCF-style: chr6-31535413-G-A. GRCh37 (hg19) VCF-style: chr6-31503190-G-A.
Other names: c.689C>T, p.Thr230Ile (NM_080598.6); short protein forms T230I.
Identifiers: ClinVar variation 3774892 (VCV003774892.2).
Genomic context (GRCh38, chr6:31,535,413, plus strand): 5'-AGAAGGGTATTTACATCTTGCATGAACTTGCGGCAGACTGGACGGATCTCTTTGCTCAAG[G>A]TAGCACTGAACATCATGACCTGCTTCTCGTGGGGGGTCATGCGAAAAATTTCCTGGACAT-3'
Protein context (NP_004631.1, residues 220-240): HEKQVMMFSA[Thr230Ile]LSKEIRPVCR